The following is an entry in ClinVar:

ClinVar aggregate classification (germline): Likely pathogenic (1 of 4 stars; one submission).

Conditions:
Leber congenital amaurosis (LCA). Also called: Leber's amaurosis. Identifiers: Orphanet 65, MedGen C0339527, MeSH D057130, MONDO:0018998.

Allele frequency attached by ClinVar (database versions not stated): gnomAD exomes below 0.00001.
gnomAD v4.1: 1 of 1,570,274 alleles (0.000064%); highest among the groups gnomAD compares: South Asian, 0.0012%; no homozygotes.

Submission:

Women's Health and Genetics/Laboratory Corporation of America, LabCorp
Classification: Likely pathogenic for Leber congenital amaurosis. Last evaluated: 2023-01-16. Review status: criteria provided, single submitter. Criteria: LabCorp Variant Classification Summary - May 2015. Collection method: clinical testing. Allele origin: germline.
Comment: Variant summary: RPGRIP1 c.3620T>G (p.Leu1207X) results in a premature termination codon, predicted to cause a truncation of the encoded protein or absence of the protein due to nonsense mediated decay, which are commonly known mechanisms for disease. Truncations downstream of this position have been classified as pathogenic by our laboratory. The variant was absent in 195990 control chromosomes. c.3620T>G has been reported in the literature in one individual affected with Leber Congenital Amaurosis in homozygous state. These data indicate that the variant may be associated with disease. To our knowledge, no experimental evidence demonstrating an impact on protein function has been reported. No clinical diagnostic laboratories have submitted clinical-significance assessments for this variant to ClinVar after 2014. Based on the evidence outlined above, the variant was classified as likely pathogenic.

Literature cited by the submitters: PubMed 20065226.

NM_020366.4(RPGRIP1):c.3620T>G (p.Leu1207Ter)

Gene: RPGRIP1 (RPGR interacting protein 1; plus strand). Cytogenetic location: 14q11.2.
Variant type: single nucleotide variant.
Coding change: c.3620T>G on transcript NM_020366.4 (MANE Select); coding-DNA position 3620, T replaced by G.
Protein change: p.Leu1207Ter; replaces leucine 1207 with a stop codon.
Molecular consequence: nonsense.
Genome position (GRCh38, 1-based): chr14:21,348,174, T>G. VCF-style: chr14-21348174-T-G. GRCh37 (hg19) VCF-style: chr14-21816333-T-G.
Other names: c.1598T>G, p.Leu533Ter (NM_001377523.1, NM_001377950.1); c.2546T>G, p.Leu849Ter (NM_001377948.1); c.1706T>G, p.Leu569Ter (NM_001377949.1); c.1103T>G, p.Leu368Ter (NM_001377951.1); short protein forms L1207*, L368*, L533*, L569*, L849*.
Identifiers: ClinVar variation 2429275 (VCV002429275.3), dbSNP rs2502980632, ClinGen allele CA388857945.
Genomic context (GRCh38, chr14:21,348,174, plus strand): 5'-TTATTTTTGAAGCATTAAGAGTATCAACAGTGCTGAATTAAATGCAATTTCTTTTTAGTT[T>G]AAAGTTTACAGTGGTAAGTGATCCTCTGGATGAAGAAAAGAAAGAATGTGAAGAAGTGGG-3'